The following is an entry in ClinVar:

ClinVar aggregate classification (germline): Benign (1 of 4 stars; one submission).

Conditions:
Colorectal cancer, hereditary nonpolyposis, type 7. Identifiers: Orphanet 144, MedGen C1858380, MONDO:0013725, OMIM 614385.

gnomAD v4.1: 4 of 1,614,254 alleles (0.00025%); highest among the groups gnomAD compares: Non-Finnish European, 0.00034%; no homozygotes.

Submission:

Myriad Genetics, Inc.
Classification: Benign for Colorectal cancer, hereditary nonpolyposis, type 7. Last evaluated: 2026-09-14. Review status: criteria provided, single submitter. Criteria: Myriad Autosomal Dominant, Autosomal Recessive and X-Linked Classification Criteria (2023). Collection method: clinical testing. Allele origin: unknown.
Comment: This variant is considered benign. This variant is a silent/synonymous amino acid change and it is not expected to impact splicing.

NM_001040108.2(MLH3):c.3027A>G (p.Val1009=)

Gene: MLH3 (mutL homolog 3; minus strand). Cytogenetic location: 14q24.3.
Variant type: single nucleotide variant.
Coding change: c.3027A>G on transcript NM_001040108.2 (MANE Select); coding-DNA position 3027, A replaced by G.
Protein change: p.Val1009=; no amino-acid change (valine 1009 retained).
Molecular consequence: synonymous variant.
Genome position (GRCh38, 1-based): chr14:75,046,629, T>C on the plus strand (A>G on the coding strand, the complement: MLH3 is on the minus strand). VCF-style: chr14-75046629-T-C. GRCh37 (hg19) VCF-style: chr14-75513332-T-C.
Other names: c.3027A>G, p.Val1009= (NM_014381.3).
Identifiers: ClinVar variation 5042201 (VCV005042201.1).